The following is an entry in ClinVar:

NM_001939.3(DRP2):c.1384A>G (p.Arg462Gly)

Gene: DRP2 (dystrophin related protein 2; plus strand). Cytogenetic location: Xq22.1.
Variant type: single nucleotide variant.
Coding change: c.1384A>G on transcript NM_001939.3 (MANE Select); coding-DNA position 1384, A replaced by G.
Protein change: p.Arg462Gly; replaces arginine 462 with glycine.
Molecular consequence: missense variant.
Genome position (GRCh38, 1-based): chrX:101,248,220, A>G. VCF-style: chrX-101248220-A-G. GRCh37 (hg19) VCF-style: chrX-100503209-A-G.
Other names: c.1150A>G, p.Arg384Gly (NM_001171184.2); short protein forms R462G, R384G.
Identifiers: ClinVar variation 1515886 (VCV001515886.8), dbSNP rs2147346189, ClinGen allele CA413926225.
Genomic context (GRCh38, chrX:101,248,220, plus strand): 5'-ATGGATGTGGTAGAGGTCATTCACTGCCTGACTGCCTTATATGAACGTTTGGAGGAGGAA[A>G]GAGGCATCCTGGTCAACGTGCCACTCTGTGTGGACATGAGCCTCAATTGGCTCCTCAATG-3'
Protein context (NP_001930.2, residues 452-472): TALYERLEEE[Arg462Gly]GILVNVPLCV

ClinVar aggregate classification (germline): Uncertain significance (1 of 4 stars; one submission).

Submission:

Labcorp Genetics (formerly Invitae), Labcorp
Classification: Uncertain significance. Last evaluated: 2021-03-10. Review status: criteria provided, single submitter. Criteria: Invitae Variant Classification Sherloc (09022015). Collection method: clinical testing. Allele origin: germline.
Comment: This sequence change replaces arginine with glycine at codon 462 of the DRP2 protein (p.Arg462Gly). The arginine residue is highly conserved and there is a moderate physicochemical difference between arginine and glycine. This variant is not present in population databases (ExAC no frequency). This variant has not been reported in the literature in individuals with DRP2-related conditions. Algorithms developed to predict the effect of missense changes on protein structure and function (SIFT, PolyPhen-2, Align-GVGD) all suggest that this variant is likely to be disruptive, but these predictions have not been confirmed by published functional studies and their clinical significance is uncertain. In summary, the available evidence is currently insufficient to determine the role of this variant in disease. Therefore, it has been classified as a Variant of Uncertain Significance.